The following is an entry in ClinVar:

ClinVar aggregate classification (germline): Likely pathogenic (1 of 4 stars; one submission).

Conditions:
GNPTAB-mucolipidosis. Also called: UDP-N-acetylglucosamine-1-phosphotransferase subunit alpha/beta deficiency. Identifiers: MedGen CN322573, MONDO:0100122.

Submission:

Myriad Genetics, Inc.
Classification: Likely pathogenic for GNPTAB-mucolipidosis. Last evaluated: 2020-03-15. Review status: criteria provided, single submitter. Criteria: Myriad Autosomal Dominant, Autosomal Recessive and X-Linked Classification Criteria (2023). Collection method: clinical testing. Allele origin: unknown.
Comment: NM_024312.4(GNPTAB):c.2102C>A(S701*) is expected to be pathogenic in the context of GNPTAB-related disorders. This variant is predicted to lead to an abnormal or absent protein product due to the creation of a premature termination codon in GNPTAB, a gene where loss-of-function variants are known to be pathogenic. Please note: this variant was assessed in the context of healthy population screening.

NM_024312.5(GNPTAB):c.2102C>A (p.Ser701Ter)

Gene: GNPTAB (N-acetylglucosamine-1-phosphate transferase subunits alpha and beta; minus strand). Cytogenetic location: 12q23.2.
Variant type: single nucleotide variant.
Coding change: c.2102C>A on transcript NM_024312.5 (MANE Select); coding-DNA position 2102, C replaced by A.
Protein change: p.Ser701Ter; replaces serine 701 with a stop codon.
Molecular consequence: nonsense.
Genome position (GRCh38, 1-based): chr12:101,764,815, G>T on the plus strand (C>A on the coding strand, the complement: GNPTAB is on the minus strand). VCF-style: chr12-101764815-G-T. GRCh37 (hg19) VCF-style: chr12-102158593-G-T.
Other names: short protein forms S701*.
Identifiers: ClinVar variation 983862 (VCV000983862.4), dbSNP rs1953060930, ClinGen allele CA386298989.